The following is an entry in ClinVar:

NM_012418.4(FSCN2):c.737C>T (p.Pro246Leu)

Gene: FSCN2 (fascin actin-bundling protein 2, retinal; plus strand). Cytogenetic location: 17q25.3.
Variant type: single nucleotide variant.
Coding change: c.737C>T on transcript NM_012418.4 (MANE Select); coding-DNA position 737, C replaced by T.
Protein change: p.Pro246Leu; replaces proline 246 with leucine.
Molecular consequence: missense variant.
Genome position (GRCh38, 1-based): chr17:81,529,268, C>T. VCF-style: chr17-81529268-C-T. GRCh37 (hg19) VCF-style: chr17-79496294-C-T.
Other names: c.737C>T, p.Pro246Leu (NM_001077182.3); short protein forms P246L.
Identifiers: ClinVar variation 1414889 (VCV001414889.6), dbSNP rs1437329903, ClinGen allele CA401473645.

ClinVar aggregate classification (germline): Uncertain significance (1 of 4 stars; one submission).

Allele frequency attached by ClinVar (database versions not stated): gnomAD exomes 0.00001.
gnomAD v4.1: 7 of 1,594,442 alleles (0.00044%); highest among the groups gnomAD compares: Non-Finnish European, 0.0006%; no homozygotes.

Submission:

Labcorp Genetics (formerly Invitae), Labcorp
Classification: Uncertain significance. Last evaluated: 2026-01-05. Review status: criteria provided, single submitter. Criteria: Invitae Variant Classification Sherloc (09022015). Collection method: clinical testing. Allele origin: germline.
Comment: This sequence change replaces proline, which is neutral and non-polar, with leucine, which is neutral and non-polar, at codon 246 of the FSCN2 protein (p.Pro246Leu). This variant is not present in population databases (gnomAD no frequency). This variant has not been reported in the literature in individuals affected with FSCN2-related conditions. ClinVar contains an entry for this variant (Variation ID: 1414889). An algorithm developed to predict the effect of missense changes on protein structure and function (PolyPhen-2) suggests that this variant is likely to be disruptive. In summary, the available evidence is currently insufficient to determine the role of this variant in disease. Therefore, it has been classified as a Variant of Uncertain Significance.